The following is an entry in ClinVar:

ClinVar aggregate classification (germline): Uncertain significance (1 of 4 stars; one submission).

Allele frequency attached by ClinVar (database versions not stated): ExAC 0.00001; gnomAD 0.00001; gnomAD exomes 0.00001; TOPMed 0.00001.

Submission:

Labcorp Genetics (formerly Invitae), Labcorp
Classification: Uncertain significance. Last evaluated: 2022-03-22. Review status: criteria provided, single submitter. Criteria: Invitae Variant Classification Sherloc (09022015). Collection method: clinical testing. Allele origin: germline.
Comment: In summary, the available evidence is currently insufficient to determine the role of this variant in disease. Therefore, it has been classified as a Variant of Uncertain Significance. Algorithms developed to predict the effect of missense changes on protein structure and function (SIFT, PolyPhen-2, Align-GVGD) all suggest that this variant is likely to be tolerated. This sequence change replaces alanine, which is neutral and non-polar, with valine, which is neutral and non-polar, at codon 95 of the MCM3AP protein (p.Ala95Val). This variant is present in population databases (rs746417589, gnomAD 0.0009%). This variant has not been reported in the literature in individuals affected with MCM3AP-related conditions.

NM_003906.5(MCM3AP):c.284C>T (p.Ala95Val)

Gene: MCM3AP (minichromosome maintenance complex component 3 associated protein; minus strand). Cytogenetic location: 21q22.3.
Variant type: single nucleotide variant.
Coding change: c.284C>T on transcript NM_003906.5 (MANE Select); coding-DNA position 284, C replaced by T.
Protein change: p.Ala95Val; replaces alanine 95 with valine.
Molecular consequence: missense variant.
Genome position (GRCh38, 1-based): chr21:46,285,003, G>A on the plus strand (C>T on the coding strand, the complement: MCM3AP is on the minus strand). VCF-style: chr21-46285003-G-A. GRCh37 (hg19) VCF-style: chr21-47704917-G-A.
Other names: short protein forms A95V.
Identifiers: ClinVar variation 1943935 (VCV001943935.5), dbSNP rs746417589, ClinGen allele CA10077377.
Genomic context (GRCh38, chr21:46,285,003, plus strand): 5'-GGTGATTTAAAACTAAATCCTGTGTTTCCCAGCACAGATGAACTTGAAGGCCCAGAGGTA[G>A]CCACAAAGGTGGAAGTGTGCTCAAGTCCAGAAAAGGGTCCAACACTTGAGGTTTGGGTGA-3'
Protein context (NP_003897.2, residues 85-105): SGLEHTSTFV[Ala95Val]TSGPSSSSVL